The following is an entry in ClinVar:

NM_144670.6(A2ML1):c.2884G>A (p.Gly962Ser)

Gene: A2ML1 (alpha-2-macroglobulin like 1; plus strand). Cytogenetic location: 12p13.31.
Variant type: single nucleotide variant.
Coding change: c.2884G>A on transcript NM_144670.6 (MANE Select); coding-DNA position 2884, G replaced by A.
Protein change: p.Gly962Ser; replaces glycine 962 with serine.
Molecular consequence: missense variant.
Genome position (GRCh38, 1-based): chr12:8,857,199, G>A. VCF-style: chr12-8857199-G-A. GRCh37 (hg19) VCF-style: chr12-9009795-G-A.
Other names: c.1411G>A, p.Gly471Ser (NM_001282424.3); short protein forms G962S, G471S.
Identifiers: ClinVar variation 2811224 (VCV002811224.3), dbSNP rs1302126744, ClinGen allele CA383836136.

ClinVar aggregate classification (germline): Uncertain significance (1 of 4 stars; one submission).

gnomAD v4.1: 5 of 1,612,750 alleles (0.00031%); highest among the groups gnomAD compares: Non-Finnish European, 0.00042%; no homozygotes.

Submission:

Labcorp Genetics (formerly Invitae), Labcorp
Classification: Uncertain significance. Last evaluated: 2022-11-01. Review status: criteria provided, single submitter. Criteria: Invitae Variant Classification Sherloc (09022015). Collection method: clinical testing. Allele origin: germline.
Comment: This variant is not present in population databases (gnomAD no frequency). This sequence change replaces glycine, which is neutral and non-polar, with serine, which is neutral and polar, at codon 962 of the A2ML1 protein (p.Gly962Ser). This variant has not been reported in the literature in individuals affected with A2ML1-related conditions. In summary, the available evidence is currently insufficient to determine the role of this variant in disease. Therefore, it has been classified as a Variant of Uncertain Significance. Algorithms developed to predict the effect of missense changes on protein structure and function output the following: SIFT: "Tolerated"; PolyPhen-2: "Benign"; Align-GVGD: "Class C0". The serine amino acid residue is found in multiple mammalian species, which suggests that this missense change does not adversely affect protein function.